The following is an entry in ClinVar:

NM_001291303.3(FAT4):c.11831G>A (p.Cys3944Tyr)

Gene: FAT4 (FAT atypical cadherin 4; plus strand). Cytogenetic location: 4q28.1.
Variant type: single nucleotide variant.
Coding change: c.11831G>A on transcript NM_001291303.3 (MANE Select); coding-DNA position 11831, G replaced by A.
Protein change: p.Cys3944Tyr; replaces cysteine 3944 with tyrosine.
Molecular consequence: missense variant.
Genome position (GRCh38, 1-based): chr4:125,463,593, G>A. VCF-style: chr4-125463593-G-A. GRCh37 (hg19) VCF-style: chr4-126384748-G-A.
Other names: c.11831G>A, p.Cys3944Tyr (NM_001291285.3); c.11825G>A, p.Cys3942Tyr (NM_024582.6); short protein forms C3942Y, C3944Y.
Identifiers: ClinVar variation 1907366 (VCV001907366.4), dbSNP rs2530955442, ClinGen allele CA358125239.

ClinVar aggregate classification (germline): Uncertain significance. Review status: criteria provided, multiple submitters, no conflicts (2 of 4 stars). 2 submissions from 2 submitters: Uncertain significance (2). Last evaluated 2025-07-28.

Conditions:
Inborn genetic diseases. Identifiers: MedGen C0950123, MeSH D030342.

Allele frequency attached by ClinVar (database versions not stated): gnomAD exomes below 0.00001.
gnomAD v4.1: 2 of 1,594,938 alleles (0.00013%); highest among the groups gnomAD compares: Admixed American, 0.0017%; no homozygotes.

Submissions (2):

Labcorp Genetics (formerly Invitae), Labcorp
Classification: Uncertain significance. Last evaluated: 2025-07-28. Review status: criteria provided, single submitter. Criteria: Invitae Variant Classification Sherloc (09022015). Collection method: clinical testing. Allele origin: germline.
Comment: This sequence change replaces cysteine, which is neutral and slightly polar, with tyrosine, which is neutral and polar, at codon 3942 of the FAT4 protein (p.Cys3942Tyr). This variant is not present in population databases (gnomAD no frequency). This variant has not been reported in the literature in individuals affected with FAT4-related conditions. ClinVar contains an entry for this variant (Variation ID: 1907366). Invitae Evidence Modeling of protein sequence and biophysical properties (such as structural, functional, and spatial information, amino acid conservation, physicochemical variation, residue mobility, and thermodynamic stability) indicates that this missense variant is expected to disrupt FAT4 protein function with a positive predictive value of 95%. In summary, the available evidence is currently insufficient to determine the role of this variant in disease. Therefore, it has been classified as a Variant of Uncertain Significance.

Ambry Genetics
Classification: Uncertain significance for Inborn genetic diseases. Last evaluated: 2022-09-07. Review status: criteria provided, single submitter. Criteria: Ambry Variant Classification Scheme 2023. Collection method: clinical testing. Allele origin: germline.